The following is an entry in ClinVar:

NM_000038.6(APC):c.4300A>G (p.Ser1434Gly)

Gene: APC (APC regulator of Wnt signaling pathway; plus strand). Cytogenetic location: 5q22.2.
Variant type: single nucleotide variant.
Coding change: c.4300A>G on transcript NM_000038.6 (MANE Select); coding-DNA position 4300, A replaced by G.
Protein change: p.Ser1434Gly; replaces serine 1434 with glycine.
Molecular consequence: missense variant. On other transcripts: non-coding transcript variant (2).
Genome position (GRCh38, 1-based): chr5:112,839,894, A>G. VCF-style: chr5-112839894-A-G. GRCh37 (hg19) VCF-style: chr5-112175591-A-G.
Other names: c.4300A>G, p.Ser1434Gly (NM_001127510.3, NM_001354895.2, NM_001407450.1); c.4246A>G, p.Ser1416Gly (NM_001127511.3); c.4354A>G, p.Ser1452Gly (NM_001354896.2, NM_001407447.1, NM_001407448.1 and 1 more transcripts); c.4330A>G, p.Ser1444Gly (NM_001354897.2); c.4225A>G, p.Ser1409Gly (NM_001354898.2); c.4216A>G, p.Ser1406Gly (NM_001354899.2); c.4177A>G, p.Ser1393Gly (NM_001354900.2); c.4123A>G, p.Ser1375Gly (NM_001354901.2, NM_001407453.1); and 11 more; short protein forms S1343G, S1409G, S1416G, S1050G, S1305G, S1351G, S1406G, S1424G.
Identifiers: ClinVar variation 2700281 (VCV002700281.3), dbSNP rs1348975737, ClinGen allele CA16030754.

ClinVar aggregate classification (germline): Uncertain significance (1 of 4 stars; one submission).

Conditions:
Familial adenomatous polyposis 1 (FAP1). Also called: FAMILIAL ADENOMATOUS POLYPOSIS 1, ATTENUATED; POLYPOSIS, ADENOMATOUS INTESTINAL. Identifiers: MedGen C2713442, MONDO:0021056, OMIM 175100. Disease mechanism: loss of function.

Submission:

Labcorp Genetics (formerly Invitae), Labcorp
Classification: Uncertain significance for Familial adenomatous polyposis 1. Last evaluated: 2023-12-01. Review status: criteria provided, single submitter. Criteria: Invitae Variant Classification Sherloc (09022015). Collection method: clinical testing. Allele origin: germline.
Comment: This sequence change replaces serine, which is neutral and polar, with glycine, which is neutral and non-polar, at codon 1434 of the APC protein (p.Ser1434Gly). This variant is not present in population databases (gnomAD no frequency). This variant has not been reported in the literature in individuals affected with APC-related conditions. Advanced modeling of protein sequence and biophysical properties (such as structural, functional, and spatial information, amino acid conservation, physicochemical variation, residue mobility, and thermodynamic stability) performed at Invitae indicates that this missense variant is not expected to disrupt APC protein function with a negative predictive value of 95%. In summary, the available evidence is currently insufficient to determine the role of this variant in disease. Therefore, it has been classified as a Variant of Uncertain Significance.